The following is an entry in ClinVar:

ClinVar aggregate classification (germline): Uncertain significance. Review status: criteria provided, multiple submitters, no conflicts (2 of 4 stars). 2 submissions from 2 submitters: Uncertain significance (2). Last evaluated 2025-08-20.

Conditions:
Colorectal cancer, hereditary nonpolyposis, type 7. Identifiers: Orphanet 144, MedGen C1858380, MONDO:0013725, OMIM 614385.

Allele frequency attached by ClinVar (database versions not stated): gnomAD exomes below 0.00001; gnomAD 0.00001; ESP Exome Variant Server 0.00008.
gnomAD v4.1: 3 of 1,614,058 alleles (0.00019%); highest among the groups gnomAD compares: African/African-American, 0.004%; no homozygotes.

Submissions (2):

Ambry Genetics
Classification: Uncertain significance. Last evaluated: 2025-08-20. Review status: criteria provided, single submitter. Criteria: Ambry Variant Classification Scheme 2023. Collection method: clinical testing. Allele origin: germline.
Comment: The p.N901D variant (also known as c.2701A>G), located in coding exon 1 of the MLH3 gene, results from an A to G substitution at nucleotide position 2701. The asparagine at codon 901 is replaced by aspartic acid, an amino acid with highly similar properties. This amino acid position is poorly conserved in available vertebrate species. In addition, this alteration is predicted to be tolerated by in silico analysis. Since supporting evidence is limited at this time, the clinical significance of this alteration remains unclear.

Labcorp Genetics (formerly Invitae), Labcorp
Classification: Uncertain significance for Colorectal cancer, hereditary nonpolyposis, type 7. Last evaluated: 2022-03-11. Review status: criteria provided, single submitter. Criteria: Invitae Variant Classification Sherloc (09022015). Collection method: clinical testing. Allele origin: germline.
Comment: In summary, the available evidence is currently insufficient to determine the role of this variant in disease. Therefore, it has been classified as a Variant of Uncertain Significance. Algorithms developed to predict the effect of missense changes on protein structure and function output the following: SIFT: "Tolerated"; PolyPhen-2: "Benign"; Align-GVGD: "Class C0". The aspartic acid amino acid residue is found in multiple mammalian species, which suggests that this missense change does not adversely affect protein function. This variant has not been reported in the literature in individuals affected with MLH3-related conditions. This variant is not present in population databases (gnomAD no frequency). This sequence change replaces asparagine, which is neutral and polar, with aspartic acid, which is acidic and polar, at codon 901 of the MLH3 protein (p.Asn901Asp).

NM_001040108.2(MLH3):c.2701A>G (p.Asn901Asp)

Gene: MLH3 (mutL homolog 3; minus strand). Cytogenetic location: 14q24.3.
Variant type: single nucleotide variant.
Coding change: c.2701A>G on transcript NM_001040108.2 (MANE Select); coding-DNA position 2701, A replaced by G.
Protein change: p.Asn901Asp; replaces asparagine 901 with aspartic acid.
Molecular consequence: missense variant.
Genome position (GRCh38, 1-based): chr14:75,046,955, T>C on the plus strand (A>G on the coding strand, the complement: MLH3 is on the minus strand). VCF-style: chr14-75046955-T-C. GRCh37 (hg19) VCF-style: chr14-75513658-T-C.
Other names: c.2701A>G, p.Asn901Asp (NM_014381.3); short protein forms N901D.
Identifiers: ClinVar variation 1794936 (VCV001794936.9), dbSNP rs146425909, ClinGen allele CA263648068.
Genomic context (GRCh38, chr14:75,046,955, plus strand): 5'-TACAAAAATCTTGTGTTAACACACTGCACAACTTGCTGTCTTTCCTACTGGAATCTGAAT[T>C]TGGAAGTTCATTAAAACGACTCATCATCCCCATTGTTTGAGTTTCTCTTTCGGAACCCTT-3'
Protein context (NP_001035197.1, residues 891-911): GMMSRFNELP[Asn901Asp]SDSSRKDSKL